The following is an entry in ClinVar:

ClinVar aggregate classification (germline): Uncertain significance. Review status: criteria provided, multiple submitters, no conflicts (2 of 4 stars). 2 submissions from 2 submitters: Uncertain significance (2). Last evaluated 2023-05-13.

Conditions:
RYR1-related disorder. Also called: RYR1-related condition; RYR1-related disorders. Identifiers: MedGen CN239331.

gnomAD v4.1: 1 of 1,612,568 alleles (0.000062%); highest among the groups gnomAD compares: Non-Finnish European, 0.000085%; no homozygotes.

Submissions (2):

GeneDx
Classification: Uncertain significance. Last evaluated: 2023-05-13. Review status: criteria provided, single submitter. Criteria: GeneDx Variant Classification Process June 2021. Collection method: clinical testing. Allele origin: germline. Affected: yes.
Comment: Identified in a patient with congenital myopathy who also harbored a variant in the SPTLC2 gene (Tian et al., 2015); Not observed at significant frequency in large population cohorts (gnomAD); In silico analysis supports that this missense variant has a deleterious effect on protein structure/function; This variant is associated with the following publications: (PMID: 27066551)

Labcorp Genetics (formerly Invitae), Labcorp
Classification: Uncertain significance for RYR1-related disorder. Last evaluated: 2022-12-22. Review status: criteria provided, single submitter. Criteria: Invitae Variant Classification Sherloc (09022015). Collection method: clinical testing. Allele origin: germline.
Comment: In summary, the available evidence is currently insufficient to determine the role of this variant in disease. Therefore, it has been classified as a Variant of Uncertain Significance. Advanced modeling of protein sequence and biophysical properties (such as structural, functional, and spatial information, amino acid conservation, physicochemical variation, residue mobility, and thermodynamic stability) performed at Invitae indicates that this missense variant is not expected to disrupt RYR1 protein function. This missense change has been observed in individual(s) with congenital myopathy (PMID: 27066551). This variant is not present in population databases (gnomAD no frequency). This sequence change replaces lysine, which is basic and polar, with asparagine, which is neutral and polar, at codon 2564 of the RYR1 protein (p.Lys2564Asn).

Literature cited by the submitters: PubMed 27066551 (cited by Labcorp Genetics (formerly Invitae), Labcorp).

NM_000540.3(RYR1):c.7692G>C (p.Lys2564Asn)

Gene: RYR1 (ryanodine receptor 1; plus strand). Cytogenetic location: 19q13.2.
Variant type: single nucleotide variant.
Coding change: c.7692G>C on transcript NM_000540.3 (MANE Select); coding-DNA position 7692, G replaced by C.
Protein change: p.Lys2564Asn; replaces lysine 2564 with asparagine.
Molecular consequence: missense variant.
Genome position (GRCh38, 1-based): chr19:38,502,584, G>C. VCF-style: chr19-38502584-G-C. GRCh37 (hg19) VCF-style: chr19-38993224-G-C.
Other names: c.7692G>C, p.Lys2564Asn (NM_001042723.2); short protein forms K2564N.
Identifiers: ClinVar variation 2910298 (VCV002910298.4), dbSNP rs886038341, ClinGen allele CA405671644.